The following is an entry in ClinVar:

NM_033380.3(COL4A5):c.1027G>A (p.Gly343Arg)

Gene: COL4A5 (collagen type IV alpha 5 chain; plus strand). Cytogenetic location: Xq22.3.
Variant type: single nucleotide variant.
Coding change: c.1027G>A on transcript NM_033380.3 (MANE Select); coding-DNA position 1027, G replaced by A.
Protein change: p.Gly343Arg; replaces glycine 343 with arginine.
Molecular consequence: missense variant.
Genome position (GRCh38, 1-based): chrX:108,584,520, G>A. VCF-style: chrX-108584520-G-A. GRCh37 (hg19) VCF-style: chrX-107827750-G-A.
Other names: c.1027G>A, p.Gly343Arg (NM_000495.5); short protein forms G343R.
Identifiers: ClinVar variation 4526560 (VCV004526560.1).
Genomic context (GRCh38, chrX:108,584,520, plus strand): 5'-CTATTTTACAATTGCATTGAACAGGGCCAAAAAGGTGACACTGGCCCACCTGGACCTCCT[G>A]GACTTGTAAGTTTTTTTTTTTTAGTCTTCGTTTATCAAATTTATTAATGCATTATCATTT-3'
Protein context (NP_203699.1, residues 333-353): KGDTGPPGPP[Gly343Arg]LVIPRPGTGI

ClinVar aggregate classification (germline): Likely pathogenic (1 of 4 stars; one submission).

Conditions:
X-linked Alport syndrome (ATS1). Also called: NEPHROPATHY AND DEAFNESS, X-LINKED; COL4A5-Related Nephropathy. Identifiers: Orphanet 63, Orphanet 88917, MedGen C4746986, MONDO:0010520, OMIM 301050.

Submission:

MVZ Medizinische Genetik Mainz
Classification: Likely pathogenic for X-linked Alport syndrome. Last evaluated: 2024-11-26. Review status: criteria provided, single submitter. Criteria: UK Practice Guidelines For Variant Classification V4 01 2020. Collection method: clinical testing. Allele origin: germline. Inheritance: X-linked dominant inheritance. Affected: yes. Observed: 1 variant allele.
Comment: ACMG Criteria: PM1_STR,PM2_SUP,PM5_SUP,PP3,PP4